The following is an entry in ClinVar:

ClinVar aggregate classification (germline): Uncertain significance (1 of 4 stars; one submission).

Submission:

Labcorp Genetics (formerly Invitae), Labcorp
Classification: Uncertain significance. Last evaluated: 2022-02-20. Review status: criteria provided, single submitter. Criteria: Invitae Variant Classification Sherloc (09022015). Collection method: clinical testing. Allele origin: germline.
Comment: In summary, the available evidence is currently insufficient to determine the role of this variant in disease. Therefore, it has been classified as a Variant of Uncertain Significance. Experimental studies and prediction algorithms are not available or were not evaluated, and the functional significance of this variant is currently unknown. This variant has not been reported in the literature in individuals affected with GPR179-related conditions. This variant is not present in population databases (gnomAD no frequency). This variant, c.5263_5268del, results in the deletion of 2 amino acid(s) of the GPR179 protein (p.Thr1755_Pro1756del), but otherwise preserves the integrity of the reading frame.

NM_001004334.4(GPR179):c.5263_5268del (p.Thr1755_Pro1756del)

Gene: GPR179 (G protein-coupled receptor 179; minus strand). Cytogenetic location: 17q12.
Variant type: Deletion.
Coding change: c.5263_5268del on transcript NM_001004334.4 (MANE Select); coding-DNA positions 5263 to 5268, 6 bases deleted (ACCCCA; older notation c.5263_5268delACCCCA).
Protein change: p.Thr1755_Pro1756del.
Molecular consequence: inframe deletion.
Genome position (GRCh38, 1-based): chr17:38,328,301-38,328,306, TGGGGT deleted on the plus strand (ACCCCA on the coding strand, the reverse complement: GPR179 is on the minus strand); deleting any 6 consecutive bases within chr17:38,328,301-38,328,309 gives the same sequence; the c. name uses the placement nearest the transcript's 3' end. VCF-style (leftmost placement, unchanged base first): chr17-38328300-CTGGGGT-C. GRCh37 (hg19) VCF-style: chr17-36484183-CTGGGGT-C.
Identifiers: ClinVar variation 2100502 (VCV002100502.4), dbSNP rs2512157761, ClinGen allele CA2580093605.
Genomic context (GRCh38, chr17:38,328,300, plus strand): 5'-CTGGATGCTGAGAACAGGCCCCTGGACCCACACTCCCCCAGGGACAAGCCACCTCCCACT[CTGGGGT>C]TGGCTTCTGTGGCTTCTCTGGAGCAGTAACAGCTCTCTCCCTGGGTCCAAGATCTGCAGA-3'